The following is an entry in ClinVar:

ClinVar aggregate classification (germline): Uncertain significance (1 of 4 stars; one submission).

Submission:

Labcorp Genetics (formerly Invitae), Labcorp
Classification: Uncertain significance. Last evaluated: 2021-10-05. Review status: criteria provided, single submitter. Criteria: Invitae Variant Classification Sherloc (09022015). Collection method: clinical testing. Allele origin: germline.
Comment: This sequence change creates a premature translational stop signal (p.Ser875*) in the KIF20A gene. While this is not anticipated to result in nonsense mediated decay, it is expected to disrupt the last 16 amino acid(s) of the KIF20A protein. In summary, the available evidence is currently insufficient to determine the role of this variant in disease. Therefore, it has been classified as a Variant of Uncertain Significance. Experimental studies and prediction algorithms are not available or were not evaluated, and the functional significance of this variant is currently unknown. This variant has not been reported in the literature in individuals affected with KIF20A-related conditions. This variant is not present in population databases (ExAC no frequency).

NM_005733.3(KIF20A):c.2624C>A (p.Ser875Ter)

Gene: KIF20A (kinesin family member 20A; plus strand). Cytogenetic location: 5q31.2.
Variant type: single nucleotide variant.
Coding change: c.2624C>A on transcript NM_005733.3 (MANE Select); coding-DNA position 2624, C replaced by A.
Protein change: p.Ser875Ter; replaces serine 875 with a stop codon.
Molecular consequence: nonsense.
Genome position (GRCh38, 1-based): chr5:138,187,364, C>A. VCF-style: chr5-138187364-C-A. GRCh37 (hg19) VCF-style: chr5-137523053-C-A.
Other names: short protein forms S875*.
Identifiers: ClinVar variation 1408408 (VCV001408408.6), dbSNP rs1754763970, ClinGen allele CA361120426.